The following is an entry in ClinVar:

ClinVar aggregate classification (germline): Uncertain significance. Review status: criteria provided, multiple submitters, no conflicts (2 of 4 stars). 3 submissions from 3 submitters: Uncertain significance (3). Last evaluated 2025-03-19.

Conditions:
Inborn genetic diseases. Identifiers: MedGen C0950123, MeSH D030342.

Allele frequency attached by ClinVar (database versions not stated): TOPMed 0.00005; 1000 Genomes Project 0.00020; ExAC 0.00002; gnomAD exomes 0.00001; 1000 Genomes Project 30x 0.00016; gnomAD 0.00005.

Submissions (3):

GeneDx
Classification: Uncertain significance. Last evaluated: 2025-03-19. Review status: criteria provided, single submitter. Criteria: GeneDx Variant Classification Process June 2021. Collection method: clinical testing. Allele origin: germline.
Comment: In silico analysis indicates that this missense variant does not alter protein structure/function; Has not been previously published as pathogenic or benign to our knowledge

Ambry Genetics
Classification: Uncertain significance for Inborn genetic diseases. Last evaluated: 2025-03-15. Review status: criteria provided, single submitter. Criteria: Ambry Variant Classification Scheme 2023. Collection method: clinical testing. Allele origin: germline.

Labcorp Genetics (formerly Invitae), Labcorp
Classification: Uncertain significance. Last evaluated: 2024-04-27. Review status: criteria provided, single submitter. Criteria: Invitae Variant Classification Sherloc (09022015). Collection method: clinical testing. Allele origin: germline.
Comment: This sequence change replaces arginine, which is basic and polar, with histidine, which is basic and polar, at codon 240 of the GJB3 protein (p.Arg240His). This variant is present in population databases (rs545569060, gnomAD 0.02%). This variant has not been reported in the literature in individuals affected with GJB3-related conditions. ClinVar contains an entry for this variant (Variation ID: 1422827). Algorithms developed to predict the effect of missense changes on protein structure and function output the following: SIFT: "Not Available"; PolyPhen-2: "Benign"; Align-GVGD: "Not Available". The histidine amino acid residue is found in multiple mammalian species, which suggests that this missense change does not adversely affect protein function. In summary, the available evidence is currently insufficient to determine the role of this variant in disease. Therefore, it has been classified as a Variant of Uncertain Significance.

NM_024009.3(GJB3):c.719G>A (p.Arg240His)

Gene: GJB3 (gap junction protein beta 3; plus strand). Cytogenetic location: 1p34.3.
Variant type: single nucleotide variant.
Coding change: c.719G>A on transcript NM_024009.3 (MANE Select); coding-DNA position 719, G replaced by A.
Protein change: p.Arg240His; replaces arginine 240 with histidine.
Molecular consequence: missense variant.
Genome position (GRCh38, 1-based): chr1:34,785,481, G>A. VCF-style: chr1-34785481-G-A. GRCh37 (hg19) VCF-style: chr1-35251082-G-A.
Other names: c.719G>A, p.Arg240His (NM_001005752.2); short protein forms R240H.
Identifiers: ClinVar variation 1422827 (VCV001422827.12), dbSNP rs545569060, ClinGen allele CA754899.
Genomic context (GRCh38, chr1:34,785,481, plus strand): 5'-AGGACAAGCCTCGAGGGGGTTGCAGCCCCTCGTCCTCCGCCAGCCGAGCTTCCACCTGCC[G>A]CTGCCACCACAAGCTGGTGGAGGCTGGGGAGGTGGATCCAGACCCAGGCAATAACAAGCT-3'
Protein context (NP_076872.1, residues 230-250): SSSASRASTC[Arg240His]CHHKLVEAGE